The following is an entry in ClinVar:

ClinVar aggregate classification (germline): Uncertain significance (1 of 4 stars; one submission).

Conditions:
Primary ciliary dyskinesia. Also called: Ciliary dyskinesia. Identifiers: Orphanet 244, MedGen C0008780, MONDO:0016575, HP:0012265.

Allele frequency attached by ClinVar (database versions not stated): gnomAD exomes 0.00001.
gnomAD v4.1: 4 of 1,539,868 alleles (0.00026%); highest among the groups gnomAD compares: Non-Finnish European, 0.00035%; no homozygotes.

Submission:

Labcorp Genetics (formerly Invitae), Labcorp
Classification: Uncertain significance for Primary ciliary dyskinesia. Last evaluated: 2024-06-03. Review status: criteria provided, single submitter. Criteria: Invitae Variant Classification Sherloc (09022015). Collection method: clinical testing. Allele origin: germline.
Comment: This sequence change replaces alanine, which is neutral and non-polar, with aspartic acid, which is acidic and polar, at codon 427 of the DNAAF2 protein (p.Ala427Asp). This variant is not present in population databases (gnomAD no frequency). This variant has not been reported in the literature in individuals affected with DNAAF2-related conditions. ClinVar contains an entry for this variant (Variation ID: 2154179). An algorithm developed to predict the effect of missense changes on protein structure and function (PolyPhen-2) suggests that this variant¬†is likely to be tolerated. In summary, the available evidence is currently insufficient to determine the role of this variant in disease. Therefore, it has been classified as a Variant of Uncertain Significance.

NM_018139.3(DNAAF2):c.1280C>A (p.Ala427Asp)

Genes: DNAAF2 (dynein axonemal assembly factor 2; minus strand), LOC130055542 (ATAC-STARR-seq lymphoblastoid silent region 5699; plus strand). Cytogenetic location: 14q21.3.
Variant type: single nucleotide variant.
Coding change: c.1280C>A on transcript NM_018139.3 (MANE Select); coding-DNA position 1280, C replaced by A.
Protein change: p.Ala427Asp; replaces alanine 427 with aspartic acid.
Molecular consequence: missense variant. On other transcripts: 5 prime UTR variant (1).
Genome position (GRCh38, 1-based): chr14:49,633,870, G>T on the plus strand (C>A on the coding strand, the complement: DNAAF2 is on the minus strand). VCF-style: chr14-49633870-G-T. GRCh37 (hg19) VCF-style: chr14-50100588-G-T.
Other names: c.1280C>A, p.Ala427Asp (NM_001083908.2); c.-592C>A (NM_001378453.1); short protein forms A427D.
Identifiers: ClinVar variation 2154179 (VCV002154179.3), dbSNP rs2502767943, ClinGen allele CA389628199.